The following is an entry in ClinVar:

NM_001378454.1(ALMS1):c.4185G>A (p.Ser1395=)

Gene: ALMS1 (ALMS1 centrosome and basal body associated protein; plus strand). Cytogenetic location: 2p13.1.
Variant type: single nucleotide variant.
Coding change: c.4185G>A on transcript NM_001378454.1 (MANE Select); coding-DNA position 4185, G replaced by A.
Protein change: p.Ser1395=; no amino-acid change (serine 1395 retained).
Molecular consequence: synonymous variant.
Genome position (GRCh38, 1-based): chr2:73,450,712, G>A. VCF-style: chr2-73450712-G-A. GRCh37 (hg19) VCF-style: chr2-73677839-G-A.
Other names: c.4188G>A, p.Ser1396= (NM_015120.4).
Identifiers: ClinVar variation 681525 (VCV000681525.14), dbSNP rs758814503, ClinGen allele CA1713655.

ClinVar aggregate classification (germline): Likely benign. Review status: criteria provided, multiple submitters, no conflicts (2 of 4 stars). 4 submissions from 4 submitters: Likely benign (4). Last evaluated 2025-12-15.

Conditions:
Cardiovascular phenotype. Identifiers: MedGen CN230736.
Alstrom syndrome (ALMS). Identifiers: Orphanet 64, MedGen C0268425, MONDO:0008763, OMIM 203800.

Allele frequency attached by ClinVar (database versions not stated): ExAC 0.00006; 1000 Genomes Project 30x 0.00016.
gnomAD v4.1: 39 of 1,611,772 alleles (0.0024%); highest among the groups gnomAD compares: South Asian, 0.024%; no homozygotes.

Submissions (4):

Labcorp Genetics (formerly Invitae), Labcorp
Classification: Likely benign for Alstrom syndrome. Last evaluated: 2025-12-15. Review status: criteria provided, single submitter. Criteria: Invitae Variant Classification Sherloc (09022015). Collection method: clinical testing. Allele origin: germline.

Blueprint Genetics
Classification: Likely benign. Last evaluated: 2024-01-12. Review status: criteria provided, single submitter. Criteria: ACMG Guidelines, 2015. Collection method: clinical testing. Allele origin: germline.

Ambry Genetics
Classification: Likely benign for Cardiovascular phenotype. Last evaluated: 2023-10-12. Review status: criteria provided, single submitter. Criteria: Ambry Variant Classification Scheme 2023. Collection method: clinical testing. Allele origin: germline.

GeneDx
Classification: Likely benign. Last evaluated: 2018-03-29. Review status: criteria provided, single submitter. Criteria: GeneDx Variant Classification (06012015). Collection method: clinical testing. Allele origin: germline. Affected: yes.
Comment: This variant is considered likely benign or benign based on one or more of the following criteria: it is a conservative change, it occurs at a poorly conserved position in the protein, it is predicted to be benign by multiple in silico algorithms, and/or has population frequency not consistent with disease.